The following is an entry in ClinVar:

ClinVar aggregate classification (germline): Uncertain significance (1 of 4 stars; one submission).

Conditions:
Hypertrophic cardiomyopathy 26. Also called: Cardiomyopathy, familial hypertrophic, 26. Identifiers: Orphanet 75249, MedGen C4310749, MONDO:0014883, OMIM 617047.
Myofibrillar myopathy 5. Also called: Filaminopathy (type); FILAMINOPATHY, AUTOSOMAL DOMINANT. Identifiers: Orphanet 171445, MedGen C1836050, MONDO:0012289, OMIM 609524.
Distal myopathy with posterior leg and anterior hand involvement. Also called: WILLIAMS DISTAL MYOPATHY. Identifiers: Orphanet 63273, MedGen C3279722, MONDO:0013550, OMIM 614065.

Allele frequency attached by ClinVar (database versions not stated): TOPMed below 0.00001.

Submission:

Labcorp Genetics (formerly Invitae), Labcorp
Classification: Uncertain significance for Distal myopathy with posterior leg and anterior hand involvement; Myofibrillar myopathy 5; Hypertrophic cardiomyopathy 26. Last evaluated: 2023-06-13. Review status: criteria provided, single submitter. Criteria: Invitae Variant Classification Sherloc (09022015). Collection method: clinical testing. Allele origin: germline.
Comment: Advanced modeling of protein sequence and biophysical properties (such as structural, functional, and spatial information, amino acid conservation, physicochemical variation, residue mobility, and thermodynamic stability) performed at Invitae indicates that this missense variant is not expected to disrupt FLNC protein function. This sequence change replaces threonine, which is neutral and polar, with serine, which is neutral and polar, at codon 2564 of the FLNC protein (p.Thr2564Ser). This variant is not present in population databases (gnomAD no frequency). This variant has not been reported in the literature in individuals affected with FLNC-related conditions. In summary, the available evidence is currently insufficient to determine the role of this variant in disease. Therefore, it has been classified as a Variant of Uncertain Significance.

NM_001458.5(FLNC):c.7690A>T (p.Thr2564Ser)

Genes: FLNC (filamin C; plus strand), FLNC-AS1 (FLNC antisense RNA 1; minus strand). Cytogenetic location: 7q32.1.
Variant type: single nucleotide variant.
Coding change: c.7690A>T on transcript NM_001458.5 (MANE Select); coding-DNA position 7690, A replaced by T.
Protein change: p.Thr2564Ser; replaces threonine 2564 with serine.
Molecular consequence: missense variant.
Genome position (GRCh38, 1-based): chr7:128,857,246, A>T. VCF-style: chr7-128857246-A-T. GRCh37 (hg19) VCF-style: chr7-128497300-A-T.
Other names: c.7591A>T, p.Thr2531Ser (NM_001127487.2); short protein forms T2531S, T2564S.
Identifiers: ClinVar variation 2937220 (VCV002937220.3), dbSNP rs1809105477, ClinGen allele CA369219688.